The following is an entry in ClinVar:

NM_005921.2(MAP3K1):c.196C>A (p.Arg66=)

Genes: MAP3K1 (mitogen-activated protein kinase kinase kinase 1; plus strand), LOC129993918 (ATAC-STARR-seq lymphoblastoid silent region 16021; plus strand). Cytogenetic location: 5q11.2.
Variant type: single nucleotide variant.
Coding change: c.196C>A on transcript NM_005921.2 (MANE Select); coding-DNA position 196, C replaced by A.
Protein change: p.Arg66=; no amino-acid change (arginine 66 retained).
Molecular consequence: synonymous variant.
Genome position (GRCh38, 1-based): chr5:56,815,769, C>A. VCF-style: chr5-56815769-C-A. GRCh37 (hg19) VCF-style: chr5-56111596-C-A.
Identifiers: ClinVar variation 2629377 (VCV002629377.1), dbSNP rs1351743738, ClinGen allele CA444403517.
Genomic context (GRCh38, chr5:56,815,769, plus strand): 5'-GAGGCGGGCAGCGGGGGCCGCGAGCGGGCGGACTGGCGGCGGCGGCAGCTGCGCAAAGTG[C>A]GGAGTGTGGAGCTGGACCAGCTGCCTGAGCAGCCGCTCTTCCTTGCCGCCTCACCGCCGG-3'
Protein context (NP_005912.1, residues 56-76): DWRRRQLRKV[Arg66=]SVELDQLPEQ

ClinVar aggregate classification (germline): Uncertain significance (1 of 4 stars; one submission).

Conditions:
MAP3K1-related disorder. Also called: MAP3K1-related condition.

gnomAD v4.1: 4 of 1,401,766 alleles (0.00029%); highest among the groups gnomAD compares: Admixed American, 0.01%; no homozygotes.

Submission:

PreventionGenetics, part of Exact Sciences
Classification: Uncertain significance for MAP3K1-related condition. Last evaluated: 2023-08-14. Review status: criteria provided, single submitter. Criteria: ACMG Guidelines, 2015. Collection method: clinical testing. Allele origin: germline.
Comment: The MAP3K1 c.196C>A variant is not predicted to result in an amino acid change (p.=). It may create a new cryptic slicing site (Alamut v.1.6.1). To our knowledge, this variant has not been reported in the literature. This variant is reported in 0.014% of alleles in individuals of Latino descent in gnomAD. At this time, the clinical significance of this variant is uncertain due to the absence of conclusive functional and genetic evidence.